The following is an entry in ClinVar:

ClinVar aggregate classification (germline): Uncertain significance (1 of 4 stars; one submission).

Allele frequency attached by ClinVar (database versions not stated): gnomAD 0.00001; TOPMed 0.00001; ExAC 0.00002; gnomAD exomes 0.00003 and 0.00005.
gnomAD v4.1: 84 of 1,608,590 alleles (0.0052%); highest among the groups gnomAD compares: Middle Eastern, 0.049%; no homozygotes.

Submission:

Labcorp Genetics (formerly Invitae), Labcorp
Classification: Uncertain significance. Last evaluated: 2024-10-28. Review status: criteria provided, single submitter. Criteria: Invitae Variant Classification Sherloc (09022015). Collection method: clinical testing. Allele origin: germline.
Comment: This sequence change replaces tyrosine, which is neutral and polar, with cysteine, which is neutral and slightly polar, at codon 215 of the IFNAR1 protein (p.Tyr215Cys). This variant is present in population databases (rs201091204, gnomAD 0.006%). This variant has not been reported in the literature in individuals affected with IFNAR1-related conditions. ClinVar contains an entry for this variant (Variation ID: 1383370). An algorithm developed to predict the effect of missense changes on protein structure and function (PolyPhen-2) suggests that this variant is likely to be disruptive. In summary, the available evidence is currently insufficient to determine the role of this variant in disease. Therefore, it has been classified as a Variant of Uncertain Significance.

NM_000629.3(IFNAR1):c.644A>G (p.Tyr215Cys)

Gene: IFNAR1 (interferon alpha and beta receptor subunit 1; plus strand). Cytogenetic location: 21q22.11.
Variant type: single nucleotide variant.
Coding change: c.644A>G on transcript NM_000629.3 (MANE Select); coding-DNA position 644, A replaced by G.
Protein change: p.Tyr215Cys; replaces tyrosine 215 with cysteine.
Molecular consequence: missense variant. On other transcripts: 5 prime UTR variant (1).
Genome position (GRCh38, 1-based): chr21:33,343,647, A>G. VCF-style: chr21-33343647-A-G. GRCh37 (hg19) VCF-style: chr21-34715953-A-G.
Other names: c.644A>G, p.Tyr215Cys (NM_001384498.1, NM_001384499.1, NM_001384501.1 and 1 more transcripts); c.-119A>G (NM_001384500.1); c.182A>G, p.Tyr61Cys (NM_001384502.1); c.437A>G, p.Tyr146Cys (NM_001384504.1); short protein forms Y61C, Y215C, Y146C.
Identifiers: ClinVar variation 1383370 (VCV001383370.8), dbSNP rs201091204, ClinGen allele CA10006543.